The following is an entry in ClinVar:

NM_001844.5(COL2A1):c.1919C>T (p.Ala640Val)

Gene: COL2A1 (collagen type II alpha 1 chain; minus strand). Cytogenetic location: 12q13.11.
Variant type: single nucleotide variant.
Coding change: c.1919C>T on transcript NM_001844.5 (MANE Select); coding-DNA position 1919, C replaced by T.
Protein change: p.Ala640Val; replaces alanine 640 with valine.
Molecular consequence: missense variant.
Genome position (GRCh38, 1-based): chr12:47,984,109, G>A on the plus strand (C>T on the coding strand, the complement: COL2A1 is on the minus strand). VCF-style: chr12-47984109-G-A. GRCh37 (hg19) VCF-style: chr12-48377892-G-A.
Other names: c.1712C>T, p.Ala571Val (NM_033150.3); short protein forms A640V, A571V.
Identifiers: ClinVar variation 2045468 (VCV002045468.4), dbSNP rs1231556901, ClinGen allele CA384548896.

ClinVar aggregate classification (germline): Uncertain significance (1 of 4 stars; one submission).

Submission:

Labcorp Genetics (formerly Invitae), Labcorp
Classification: Uncertain significance. Last evaluated: 2022-10-24. Review status: criteria provided, single submitter. Criteria: Invitae Variant Classification Sherloc (09022015). Collection method: clinical testing. Allele origin: germline.
Comment: Advanced modeling of protein sequence and biophysical properties (such as structural, functional, and spatial information, amino acid conservation, physicochemical variation, residue mobility, and thermodynamic stability) performed at Invitae indicates that this missense variant is not expected to disrupt COL2A1 protein function. In summary, the available evidence is currently insufficient to determine the role of this variant in disease. Therefore, it has been classified as a Variant of Uncertain Significance. This sequence change replaces alanine, which is neutral and non-polar, with valine, which is neutral and non-polar, at codon 640 of the COL2A1 protein (p.Ala640Val). This variant is not present in population databases (gnomAD no frequency). This variant has not been reported in the literature in individuals affected with COL2A1-related conditions.